The following is an entry in ClinVar:

NM_000821.7(GGCX):c.1906C>A (p.Pro636Thr)

Gene: GGCX (gamma-glutamyl carboxylase; minus strand). Cytogenetic location: 2p11.2.
Variant type: single nucleotide variant.
Coding change: c.1906C>A on transcript NM_000821.7 (MANE Select); coding-DNA position 1906, C replaced by A.
Protein change: p.Pro636Thr; replaces proline 636 with threonine.
Molecular consequence: missense variant.
Genome position (GRCh38, 1-based): chr2:85,550,733, G>T on the plus strand (C>A on the coding strand, the complement: GGCX is on the minus strand). VCF-style: chr2-85550733-G-T. GRCh37 (hg19) VCF-style: chr2-85777856-G-T.
Other names: c.1735C>A, p.Pro579Thr (NM_001142269.4); short protein forms P636T, P579T.
Identifiers: ClinVar variation 337260 (VCV000337260.41), dbSNP rs61733105, ClinGen allele CA1741686.

ClinVar aggregate classification (germline): Conflicting classifications of pathogenicity. Review status: criteria provided, conflicting classifications (1 of 4 stars). 6 submissions from 6 submitters: Uncertain significance (1); Benign (2); Likely benign (2). 1 of the submissions does not count toward it. Last evaluated 2026-02-01.

Conditions:
GGCX-related disorder. Also called: GGCX-related condition; GGCX - Related Disorders.
Vitamin K-dependent clotting factors, combined deficiency of, type 1. Also called: FACTORS II, VII, IX, AND X, COMBINED DEFICIENCY OF; FAMILIAL MULTIPLE COAGULATION FACTOR DEFICIENCY III; FMFD III; GLUTAMIC ACID, DEFICIENT GAMMA-CARBOXYLATION OF; MULTIPLE COAGULATION FACTOR DEFICIENCY III; VITAMIN K-DEPENDENT COAGULATION DEFECT. Identifiers: Orphanet 98434, MedGen C1848534, MONDO:0010187, OMIM 277450.
Body skin hyperlaxity due to vitamin K-dependent coagulation factor deficiency (PXECD). Also called: PXE-LIKE DISORDER WITH MULTIPLE COAGULATION FACTOR DEFICIENCY; PSEUDOXANTHOMA ELASTICUM-LIKE DISORDER WITH MULTIPLE COAGULATION FACTOR DEFICIENCY; PXE-like disorder. Identifiers: Orphanet 91135, MedGen C1835813, MONDO:0012570, OMIM 610842.

Allele frequency attached by ClinVar (database versions not stated): gnomAD 0.00054; 1000 Genomes Project 0.00060; 1000 Genomes Project 30x 0.00062; TOPMed 0.00115; ESP Exome Variant Server 0.00123.
gnomAD v4.1: 1,381 of 1,613,922 alleles (0.086%); highest among the groups gnomAD compares: Middle Eastern, 1.3%; 9 homozygotes.

Submissions (6):

Labcorp Genetics (formerly Invitae), Labcorp
Classification: Benign. Last evaluated: 2026-02-01. Review status: criteria provided, single submitter. Criteria: Invitae Variant Classification Sherloc (09022015). Collection method: clinical testing. Allele origin: germline.

Genomic Medicine Center of Excellence, King Faisal Specialist Hospital and Research Centre
Classification: Benign for Body skin hyperlaxity due to vitamin K-dependent coagulation factor deficiency. Last evaluated: 2024-12-19. Review status: criteria provided, single submitter. Criteria: ACMG Guidelines, 2015. Collection method: clinical testing. Allele origin: germline.

Blueprint Genetics
Classification: Likely benign. Last evaluated: 2024-11-20. Review status: criteria provided, single submitter. Criteria: ACMG Guidelines, 2015. Collection method: clinical testing. Allele origin: germline.

CeGaT Center for Human Genetics Tuebingen
Classification: Likely benign. Last evaluated: 2023-04-01. Review status: criteria provided, single submitter. Criteria: CeGaT Center For Human Genetics Tuebingen Variant Classification Criteria Version 2. Collection method: clinical testing. Allele origin: germline. Affected: yes. Observed: 2 variant alleles.
Comment: GGCX: BS2

Illumina Laboratory Services, Illumina
Classification: Uncertain significance for Vitamin K-dependent clotting factors, combined deficiency of, type 1. Last evaluated: 2018-01-13. Review status: criteria provided, single submitter. Criteria: ICSL Variant Classification Criteria 13 December 2019. Collection method: clinical testing. Allele origin: germline.

PreventionGenetics, part of Exact Sciences
Classification: Benign for GGCX-related condition. Last evaluated: 2021-03-03. Review status: no assertion criteria provided. Collection method: clinical testing. Allele origin: germline. Not counted in ClinVar's aggregate classification.
Comment: This variant is classified as benign based on ACMG/AMP sequence variant interpretation guidelines (Richards et al. 2015 PMID: 25741868, with internal and published modifications).